The following is an entry in ClinVar:

ClinVar aggregate classification (germline): Uncertain significance (1 of 4 stars; one submission).

Conditions:
Amelocerebrohypohidrotic syndrome (KTZS). Also called: EPILEPSY AND YELLOW TEETH; EPILEPSY, DEMENTIA, AND AMELOGENESIS IMPERFECTA; Kohlschutter's syndrome; KOHLSCHUTTER SYNDROME. Identifiers: Orphanet 1946, MedGen C0406740, MONDO:0009185, OMIM 226750.

Submission:

Labcorp Genetics (formerly Invitae), Labcorp
Classification: Uncertain significance for Amelocerebrohypohidrotic syndrome. Last evaluated: 2022-05-01. Review status: criteria provided, single submitter. Criteria: Invitae Variant Classification Sherloc (09022015). Collection method: clinical testing. Allele origin: germline.
Comment: This sequence change falls in intron 2 of the ROGDI gene. It does not directly change the encoded amino acid sequence of the ROGDI protein. It affects a nucleotide within the consensus splice site. Information on the frequency of this variant in the gnomAD database is not available, as this variant may be reported differently in the database. This variant has not been reported in the literature in individuals affected with ROGDI-related conditions. ClinVar contains an entry for this variant (Variation ID: 958701). Variants that disrupt the consensus splice site are a relatively common cause of aberrant splicing (PMID: 17576681, 9536098). Algorithms developed to predict the effect of sequence changes on RNA splicing suggest that this variant is not likely to affect RNA splicing. In summary, the available evidence is currently insufficient to determine the role of this variant in disease. Therefore, it has been classified as a Variant of Uncertain Significance.

Literature cited by the submitters: PubMed 17576681; PubMed 9536098.

NM_024589.3(ROGDI):c.117+6_117+7delinsAT

Gene: ROGDI (rogdi atypical leucine zipper; minus strand). Cytogenetic location: 16p13.3.
Variant type: Indel.
Coding change: c.117+6_117+7delinsAT on transcript NM_024589.3 (MANE Select); bases 6 to 7 of the intron after coding-DNA position 117, GA replaced by AT.
Molecular consequence: intron variant.
Genome position (GRCh38, 1-based): chr16:4,802,375-4,802,376, TC replaced by AT on the plus strand (GA replaced by AT on the coding strand, the reverse complement: ROGDI is on the minus strand). VCF-style: chr16-4802375-TC-AT. GRCh37 (hg19) VCF-style: chr16-4852376-TC-AT.
Identifiers: ClinVar variation 958701 (VCV000958701.5), dbSNP rs2082742151, ClinGen allele CA1139664483.